The following is an entry in ClinVar:

ClinVar aggregate classification (germline): Pathogenic (1 of 4 stars; one submission).

Conditions:
Pierson syndrome. Also called: MICROCORIA-CONGENITAL NEPHROTIC SYNDROME. Identifiers: Orphanet 2670, MedGen C1836876, MONDO:0012184, OMIM 609049.
LAMB2-related infantile-onset nephrotic syndrome. Also called: NEPHROTIC SYNDROME, TYPE 5, WITHOUT OCULAR ABNORMALITIES; NEPHROTIC SYNDROME, TYPE 5, WITH OCULAR ABNORMALITIES; Nephrotic Syndrome, type 5. Identifiers: Orphanet 306507, MedGen C3280113, MONDO:0013621, OMIM 614199.

Submission:

Labcorp Genetics (formerly Invitae), Labcorp
Classification: Pathogenic for LAMB2-related infantile-onset nephrotic syndrome; Pierson syndrome. Last evaluated: 2025-10-21. Review status: criteria provided, single submitter. Criteria: Invitae Variant Classification Sherloc (09022015). Collection method: clinical testing. Allele origin: germline.
Comment: This sequence change replaces serine, which is neutral and polar, with phenylalanine, which is neutral and non-polar, at codon 179 of the LAMB2 protein (p.Ser179Phe). This variant is not present in population databases (gnomAD no frequency). This missense change has been observed in individual(s) with Pierson syndrome (PMID: 18278520, 21125408). In at least one individual the data is consistent with being in trans (on the opposite chromosome) from a pathogenic variant. It has also been observed to segregate with disease in related individuals. An algorithm developed to predict the effect of missense changes on protein structure and function (PolyPhen-2) suggests that this variant is likely to be disruptive. For these reasons, this variant has been classified as Pathogenic.

Literature cited by the submitters: PubMed 18278520; PubMed 21125408.

NM_002292.4(LAMB2):c.536C>T (p.Ser179Phe)

Gene: LAMB2 (laminin subunit beta 2; minus strand). Cytogenetic location: 3p21.31.
Variant type: single nucleotide variant.
Coding change: c.536C>T on transcript NM_002292.4 (MANE Select); coding-DNA position 536, C replaced by T.
Protein change: p.Ser179Phe; replaces serine 179 with phenylalanine.
Molecular consequence: missense variant.
Genome position (GRCh38, 1-based): chr3:49,131,647, G>A on the plus strand (C>T on the coding strand, the complement: LAMB2 is on the minus strand). VCF-style: chr3-49131647-G-A. GRCh37 (hg19) VCF-style: chr3-49169080-G-A.
Other names: short protein forms S179F.
Identifiers: ClinVar variation 4783623 (VCV004783623.1).